The following is an entry in ClinVar:

NM_033380.3(COL4A5):c.3587G>T (p.Gly1196Val)

Gene: COL4A5 (collagen type IV alpha 5 chain; plus strand). Cytogenetic location: Xq22.3.
Variant type: single nucleotide variant.
Coding change: c.3587G>T on transcript NM_033380.3 (MANE Select); coding-DNA position 3587, G replaced by T.
Protein change: p.Gly1196Val; replaces glycine 1196 with valine.
Molecular consequence: missense variant.
Genome position (GRCh38, 1-based): chrX:108,667,166, G>T. VCF-style: chrX-108667166-G-T. GRCh37 (hg19) VCF-style: chrX-107910396-G-T.
Other names: c.3587G>T, p.Gly1196Val (NM_000495.5); short protein forms G1196V.
Identifiers: ClinVar variation 961447 (VCV000961447.9), dbSNP rs281874717, ClinGen allele CA413848158.

ClinVar aggregate classification (germline): Pathogenic (1 of 4 stars; one submission).

Submission:

Labcorp Genetics (formerly Invitae), Labcorp
Classification: Pathogenic. Last evaluated: 2021-01-14. Review status: criteria provided, single submitter. Criteria: Invitae Variant Classification Sherloc (09022015). Collection method: clinical testing. Allele origin: germline.
Comment: This variant is not present in population databases (ExAC no frequency). This variant has been observed in individual(s) with clinical features of Alport syndrome (Invitae). This variant disrupts the triple helix domain of COL4A5. Glycine residues within the Gly-Xaa-Yaa repeats of the triple helix domain are required for the structure and stability of fibrillar collagens (PMID: 7695699, 8218237, 19344236). In COL4A5, missense variants at these glycine residues are significantly enriched in individuals with disease (PMID: 23720012, 27627812) compared to the general population (ExAC). For these reasons, this variant has been classified as Pathogenic. This variant disrupts the p.Gly1196 amino acid residue in COL4A5. Other variant(s) that disrupt this residue have been observed in individuals with COL4A5-related conditions (PMID: 20378821, 9848783, Invitae), which suggests that this may be a clinically significant amino acid residue. This sequence change replaces glycine with valine at codon 1196 of the COL4A5 protein (p.Gly1196Val). The glycine residue is highly conserved and there is a moderate physicochemical difference between glycine and valine.

Literature cited by the submitters: PubMed 7695699; PubMed 8218237; PubMed 19344236; PubMed 23720012; PubMed 27627812; PubMed 20378821; PubMed 9848783.